The following is an entry in ClinVar:

ClinVar aggregate classification (germline): Uncertain significance. Review status: criteria provided, multiple submitters, no conflicts (2 of 4 stars). 3 submissions from 3 submitters: Uncertain significance (3). Last evaluated 2025-07-10.

Conditions:
Autosomal recessive juvenile Parkinson disease 2. Also called: PARKINSON DISEASE, JUVENILE, AUTOSOMAL RECESSIVE; PRKN-Related Early-Onset Parkinson Disease; Parkinson disease, juvenile, type 2; Parkinson disease autosomal recessive, early onset; Juvenile parkinsonism; Parkinsonism, early onset, with diurnal fluctuation. Identifiers: Orphanet 2828, MedGen C1868675, MONDO:0010820, OMIM 600116.
Lung cancer. Also called: Lung cancer, somatic; Malignant tumor of lung. Identifiers: MedGen C0242379, MONDO:0008903, OMIM 211980.
Ovarian neoplasm. Also called: Ovarian Neoplasms; Neoplasm of ovary; Ovarian tumor. Identifiers: MedGen C0919267, MeSH D010051, MONDO:0021068, HP:0100615.

Allele frequency attached by ClinVar (database versions not stated): ExAC 0.00002; gnomAD 0.00002 and 0.00003; gnomAD exomes 0.00005; TOPMed 0.00005.
gnomAD v4.1: 25 of 1,613,818 alleles (0.0015%); highest among the groups gnomAD compares: Admixed American, 0.017%; no homozygotes.

Submissions (3):

GeneDx
Classification: Uncertain significance. Last evaluated: 2025-07-10. Review status: criteria provided, single submitter. Criteria: GeneDx Variant Classification Process June 2021. Collection method: clinical testing. Allele origin: germline. Affected: yes.
Comment: Reported previously in a patient with Parkinson disease and not seen in healthy controls; however, no further clinical or segregation information was provided (PMID: 18927607); In silico analysis suggests that this missense variant does not alter protein structure/function; This variant is associated with the following publications: (PMID: 18927607, 29860783, 30573414)

Fulgent Genetics
Classification: Uncertain significance for Ovarian cancer; Lung cancer; Autosomal recessive juvenile Parkinson disease 2. Last evaluated: 2021-08-05. Review status: criteria provided, single submitter. Criteria: ACMG Guidelines, 2015. Collection method: clinical testing. Allele origin: unknown.

Labcorp Genetics (formerly Invitae), Labcorp
Classification: Uncertain significance. Last evaluated: 2017-06-16. Review status: criteria provided, single submitter. Criteria: Invitae Variant Classification Sherloc (09022015). Collection method: clinical testing. Allele origin: germline.
Comment: In summary, this variant has uncertain impact on PARK2 function. The available evidence is currently insufficient to determine its role in disease. Therefore, it has been classified as a Variant of Uncertain Significance. Algorithms developed to predict the effect of missense changes on protein structure and function output the following: SIFT: "Tolerated"; PolyPhen-2: "Benign"; Align-GVGD: "Class C0". The histidine amino acid residue is found in multiple mammalian species, suggesting that this missense change does not adversely affect protein function. These predictions have not been confirmed by published functional studies and their clinical significance is uncertain. This variant has been reported in the heterozygous state in an individual affected with Parkinson's disease (PMID: 18927607). This variant is present in population databases (rs746215864, ExAC 0.02%). This sequence change replaces arginine with histidine at codon 334 of the PARK2 protein (p.Arg334His). The arginine residue is weakly conserved and there is a small physicochemical difference between arginine and histidine.

Literature cited by the submitters: PubMed 18927607 (cited by Labcorp Genetics (formerly Invitae), Labcorp).

NM_004562.3(PRKN):c.1001G>A (p.Arg334His)

Gene: PRKN (parkin RBR E3 ubiquitin protein ligase; minus strand). Cytogenetic location: 6q26.
Variant type: single nucleotide variant.
Coding change: c.1001G>A on transcript NM_004562.3 (MANE Select); coding-DNA position 1001, G replaced by A.
Protein change: p.Arg334His; replaces arginine 334 with histidine.
Molecular consequence: missense variant.
Genome position (GRCh38, 1-based): chr6:161,548,936, C>T on the plus strand (G>A on the coding strand, the complement: PRKN is on the minus strand). VCF-style: chr6-161548936-C-T. GRCh37 (hg19) VCF-style: chr6-161969968-C-T.
Other names: c.917G>A, p.Arg306His (NM_013987.3); c.554G>A, p.Arg185His (NM_013988.3); short protein forms R334H, R185H, R306H.
Identifiers: ClinVar variation 468583 (VCV000468583.10), dbSNP rs746215864, ClinGen allele CA4090079.